The following is an entry in ClinVar:

NM_001267550.2(TTN):c.39610G>T (p.Val13204Phe)

Gene: TTN (titin; minus strand). Cytogenetic location: 2q31.2.
Variant type: single nucleotide variant.
Coding change: c.39610G>T on transcript NM_001267550.2 (MANE Select); coding-DNA position 39610, G replaced by T.
Protein change: p.Val13204Phe; replaces valine 13204 with phenylalanine.
Molecular consequence: missense variant. On other transcripts: intron variant (3).
Genome position (GRCh38, 1-based): chr2:178,651,258, C>A on the plus strand (G>T on the coding strand, the complement: TTN is on the minus strand). VCF-style: chr2-178651258-C-A. GRCh37 (hg19) VCF-style: chr2-179515985-C-A.
Other names: c.35089G>T, p.Val11697Phe (NM_001256850.1); c.32308G>T, p.Val10770Phe (NM_133378.4); c.13283-8941G>T (NM_003319.4); c.13859-8941G>T (NM_133437.4); c.13658-8941G>T (NM_133432.3); short protein forms V10770F, V11697F, V13204F.
Identifiers: ClinVar variation 3774981 (VCV003774981.1).

ClinVar aggregate classification (germline): Uncertain significance (1 of 4 stars; one submission).

gnomAD v4.1: 7 of 1,613,066 alleles (0.00043%); highest among the groups gnomAD compares: African/African-American, 0.0093%; no homozygotes.

Submission:

GeneDx
Classification: Uncertain significance. Last evaluated: 2024-09-26. Review status: criteria provided, single submitter. Criteria: GeneDx Variant Classification Process June 2021. Collection method: clinical testing. Allele origin: germline. Affected: yes.
Comment: Not observed at significant frequency in large population cohorts (gnomAD); Missense variant in a gene in which most reported pathogenic variants are truncating/loss of function; Has not been previously published as pathogenic or benign to our knowledge